The following is an entry in ClinVar:

NM_018139.3(DNAAF2):c.1094C>T (p.Ala365Val)

Genes: DNAAF2 (dynein axonemal assembly factor 2; minus strand), LOC130055542 (ATAC-STARR-seq lymphoblastoid silent region 5699; plus strand). Cytogenetic location: 14q21.3.
Variant type: single nucleotide variant.
Coding change: c.1094C>T on transcript NM_018139.3 (MANE Select); coding-DNA position 1094, C replaced by T.
Protein change: p.Ala365Val; replaces alanine 365 with valine.
Molecular consequence: missense variant.
Genome position (GRCh38, 1-based): chr14:49,634,056, G>A on the plus strand (C>T on the coding strand, the complement: DNAAF2 is on the minus strand). VCF-style: chr14-49634056-G-A. GRCh37 (hg19) VCF-style: chr14-50100774-G-A.
Other names: c.1094C>T, p.Ala365Val (NM_001083908.2); short protein forms A365V.
Identifiers: ClinVar variation 4869901 (VCV004869901.1).

ClinVar aggregate classification (germline): Uncertain significance (1 of 4 stars; one submission).

Conditions:
Primary ciliary dyskinesia. Also called: Ciliary dyskinesia. Identifiers: Orphanet 244, MedGen C0008780, MONDO:0016575, HP:0012265.

gnomAD v4.1: 2 of 1,518,414 alleles (0.00013%); highest among the groups gnomAD compares: Non-Finnish European, 0.000088%; no homozygotes.

Submission:

Ambry Genetics
Classification: Uncertain significance for Primary ciliary dyskinesia. Last evaluated: 2026-04-12. Review status: criteria provided, single submitter. Criteria: Ambry Variant Classification Scheme 2023. Collection method: clinical testing. Allele origin: germline.
Comment: The p.A365V variant (also known as c.1094C>T), located in coding exon 1 of the DNAAF2 gene, results from a C to T substitution at nucleotide position 1094. The alanine at codon 365 is replaced by valine, an amino acid with similar properties. This amino acid position is conserved. In addition, this alteration is predicted to be tolerated by in silico analysis. Based on the available evidence, the clinical significance of this variant remains unclear.